The following is an entry in ClinVar:

ClinVar aggregate classification (germline): Uncertain significance (1 of 4 stars; one submission).

Conditions:
Inborn genetic diseases. Identifiers: MedGen C0950123, MeSH D030342.

Allele frequency attached by ClinVar (database versions not stated): gnomAD exomes below 0.00001.

Submission:

Ambry Genetics
Classification: Uncertain significance for Inborn genetic diseases. Last evaluated: 2022-12-18. Review status: criteria provided, single submitter. Criteria: Ambry Variant Classification Scheme 2023. Collection method: clinical testing. Allele origin: germline.
Comment: The p.V2053I variant (also known as c.6157G>A), located in coding exon 36 of the ATR gene, results from a G to A substitution at nucleotide position 6157. The valine at codon 2053 is replaced by isoleucine, an amino acid with highly similar properties. This amino acid position is conserved. In addition, this alteration is predicted to be tolerated by in silico analysis. Since supporting evidence is limited at this time, the clinical significance of this alteration remains unclear.

NM_001184.4(ATR):c.6157G>A (p.Val2053Ile)

Genes: ATR (ATR checkpoint kinase; minus strand), LOC126806830 (BRD4-independent group 4 enhancer GRCh37_chr3:142203676-142204875; plus strand). Cytogenetic location: 3q23.
Variant type: single nucleotide variant.
Coding change: c.6157G>A on transcript NM_001184.4 (MANE Select); coding-DNA position 6157, G replaced by A.
Protein change: p.Val2053Ile; replaces valine 2053 with isoleucine.
Molecular consequence: missense variant.
Genome position (GRCh38, 1-based): chr3:142,485,204, C>T on the plus strand (G>A on the coding strand, the complement: ATR is on the minus strand). VCF-style: chr3-142485204-C-T. GRCh37 (hg19) VCF-style: chr3-142204046-C-T.
Other names: c.5965G>A, p.Val1989Ile (NM_001354579.2); short protein forms V2053I, V1989I.
Identifiers: ClinVar variation 2447389 (VCV002447389.2), dbSNP rs2108311145, ClinGen allele CA354809646.